The following is an entry in ClinVar:

NM_000088.4(COL1A1):c.4224C>T (p.Tyr1408=)

Gene: COL1A1 (collagen type I alpha 1 chain; minus strand). Cytogenetic location: 17q21.33.
Variant type: single nucleotide variant.
Coding change: c.4224C>T on transcript NM_000088.4 (MANE Select); coding-DNA position 4224, C replaced by T.
Protein change: p.Tyr1408=; no amino-acid change (tyrosine 1408 retained).
Molecular consequence: synonymous variant.
Genome position (GRCh38, 1-based): chr17:50,185,802, G>A on the plus strand (C>T on the coding strand, the complement: COL1A1 is on the minus strand). VCF-style: chr17-50185802-G-A. GRCh37 (hg19) VCF-style: chr17-48263163-G-A.
Identifiers: ClinVar variation 1144778 (VCV001144778.13), dbSNP rs369138260, ClinGen allele CA8644225.
Genomic context (GRCh38, chr17:50,185,802, plus strand): 5'-GAGGTGGGGCCCTGCCTGGGGATTCTGGGCACTCACCGTGCAGCCATCGACAGTGACGCT[G>A]TAGGTGAAGCGGCTGTTGCCCTCGGCGCGGATCTCGATCTCGTTGGAGCCCTGGAGGAGC-3'
Protein context (NP_000079.2, residues 1398-1418): IRAEGNSRFT[Tyr1408=]SVTVDGCTSH

ClinVar aggregate classification (germline): Likely benign. Review status: criteria provided, multiple submitters, no conflicts (2 of 4 stars). 3 submissions from 3 submitters: Likely benign (2). 1 of the submissions does not count toward it. Last evaluated 2023-11-24.

Conditions:
Cardiovascular phenotype. Identifiers: MedGen CN230736.
Osteogenesis imperfecta type I (OI1). Also called: Osteogenesis imperfecta type 1; Lobstein's Disease; Lobstein disease; OI, TYPE I; OSTEOGENESIS IMPERFECTA TARDA; OSTEOGENESIS IMPERFECTA WITH BLUE SCLERAE. Identifiers: Orphanet 216796, Orphanet 666, MedGen C0023931, MONDO:0008146, OMIM 166200. Disease mechanism: loss of function.
COL1A1-related disorder. Also called: COL1A1- related disease; COL1A1-related condition.

Allele frequency attached by ClinVar (database versions not stated): gnomAD exomes 0.00001 and 0.00002; ExAC 0.00003; gnomAD 0.00005 and 0.00006; ESP Exome Variant Server 0.00008; TOPMed 0.00008.

Submissions (3):

Labcorp Genetics (formerly Invitae), Labcorp
Classification: Likely benign for Osteogenesis imperfecta type I. Last evaluated: 2023-11-24. Review status: criteria provided, single submitter. Criteria: Invitae Variant Classification Sherloc (09022015). Collection method: clinical testing. Allele origin: germline.

Ambry Genetics
Classification: Likely benign for Cardiovascular phenotype. Last evaluated: 2021-12-16. Review status: criteria provided, single submitter. Criteria: Ambry Variant Classification Scheme 2023. Collection method: clinical testing. Allele origin: germline.

PreventionGenetics, part of Exact Sciences
Classification: Likely benign for COL1A1-related condition. Last evaluated: 2021-08-31. Review status: no assertion criteria provided. Collection method: clinical testing. Allele origin: germline. Not counted in ClinVar's aggregate classification.
Comment: This variant is classified as likely benign based on ACMG/AMP sequence variant interpretation guidelines (Richards et al. 2015 PMID: 25741868, with internal and published modifications).